The following is an entry in ClinVar:

ClinVar aggregate classification (germline): Pathogenic/Likely pathogenic. Review status: criteria provided, multiple submitters, no conflicts (2 of 4 stars). 3 submissions from 3 submitters: Pathogenic (2); Likely pathogenic (1). Last evaluated 2025-04-07.

Conditions:
Microcephaly 3, primary, autosomal recessive. Identifiers: Orphanet 2512, MedGen C1858108, MONDO:0011488, OMIM 604804.

Allele frequency attached by ClinVar (database versions not stated): gnomAD exomes below 0.00001; ExAC 0.00001; gnomAD 0.00001; TOPMed 0.00002.
gnomAD v4.1: 4 of 1,613,550 alleles (0.00025%); highest among the groups gnomAD compares: South Asian, 0.0011%; no homozygotes.

Submissions (3):

Labcorp Genetics (formerly Invitae), Labcorp
Classification: Pathogenic. Last evaluated: 2025-04-07. Review status: criteria provided, single submitter. Criteria: Invitae Variant Classification Sherloc (09022015). Collection method: clinical testing. Allele origin: germline.
Comment: This sequence change creates a premature translational stop signal (p.Arg427*) in the CDK5RAP2 gene. It is expected to result in an absent or disrupted protein product. Loss-of-function variants in CDK5RAP2 are known to be pathogenic (PMID: 15793586, 20460369, 26436113). This variant is present in population databases (rs774388179, gnomAD 0.0009%). This premature translational stop signal has been observed in individual(s) with CDK5RAP2-related conditions (PMID: 28004384). ClinVar contains an entry for this variant (Variation ID: 1029683). For these reasons, this variant has been classified as Pathogenic.

Baylor Genetics
Classification: Pathogenic for Microcephaly 3, primary, autosomal recessive. Last evaluated: 2019-11-26. Review status: criteria provided, single submitter. Criteria: ACMG Guidelines, 2015. Collection method: clinical testing. Allele origin: unknown. Affected: yes.
Comment: This variant was determined to be pathogenic according to ACMG Guidelines, 2015 [PMID:25741868].

Juno Genomics, Hangzhou Juno Genomics, Inc
Classification: Likely pathogenic for Microcephaly 3, primary, autosomal recessive. Review status: criteria provided, single submitter. Criteria: ACMG Guidelines, 2015. Collection method: clinical testing. Allele origin: germline.
Comment: Absent from controls (or at extremely low frequency if recessive) in Genome Aggregation Database.;Null variant in a gene where loss of function (LOF) is a known mechanism of disease.

Literature cited by the submitters: PubMed 15793586 (cited by Labcorp Genetics (formerly Invitae), Labcorp); PubMed 20460369 (cited by Labcorp Genetics (formerly Invitae), Labcorp); PubMed 26436113 (cited by Labcorp Genetics (formerly Invitae), Labcorp); PubMed 28004384 (cited by Labcorp Genetics (formerly Invitae), Labcorp).

NM_018249.6(CDK5RAP2):c.1279C>T (p.Arg427Ter)

Gene: CDK5RAP2 (CDK5 regulatory subunit associated protein 2; minus strand). Cytogenetic location: 9q33.2.
Variant type: single nucleotide variant.
Coding change: c.1279C>T on transcript NM_018249.6 (MANE Select); coding-DNA position 1279, C replaced by T.
Protein change: p.Arg427Ter; replaces arginine 427 with a stop codon.
Molecular consequence: nonsense. On other transcripts: non-coding transcript variant (5).
Genome position (GRCh38, 1-based): chr9:120,518,459, G>A on the plus strand (C>T on the coding strand, the complement: CDK5RAP2 is on the minus strand). VCF-style: chr9-120518459-G-A. GRCh37 (hg19) VCF-style: chr9-123280737-G-A.
Other names: c.1279C>T, p.Arg427Ter (NM_001011649.3, NM_001272039.2); short protein forms R427*.
Identifiers: ClinVar variation 1029683 (VCV001029683.4), dbSNP rs774388179, ClinGen allele CA5214456.